The following is an entry in ClinVar:

NM_017780.4(CHD7):c.6135G>A (p.Pro2045=)

Gene: CHD7 (chromodomain helicase DNA binding protein 7; plus strand). Cytogenetic location: 8q12.2.
Variant type: single nucleotide variant.
Coding change: c.6135G>A on transcript NM_017780.4 (MANE Select); coding-DNA position 6135, G replaced by A.
Protein change: p.Pro2045=; no amino-acid change (proline 2045 retained).
Molecular consequence: synonymous variant. On other transcripts: intron variant (1).
Genome position (GRCh38, 1-based): chr8:60,852,860, G>A. VCF-style: chr8-60852860-G-A. GRCh37 (hg19) VCF-style: chr8-61765419-G-A.
Other names: p.Pro2045=; c.1717-9369G>A (NM_001316690.1).
Identifiers: ClinVar variation 158306 (VCV000158306.46), dbSNP rs6999971, ClinGen allele CA171756.
Genomic context (GRCh38, chr8:60,852,860, plus strand): 5'-AAGTAAATATGAGCCCTTCTGTGTTACAGAACCGCCCGACCTCTCCTCCATAATTGAGCC[G>A]ATCACAGAGGAGCGAGCCTCTCGAACTCTGTACCGCATTGAGCTGCTACGGAAGATCCGC-3'
Protein context (NP_060250.2, residues 2035-2055): EPPDLSSIIE[Pro2045=]ITEERASRTL

ClinVar aggregate classification (germline): Benign. Review status: criteria provided, multiple submitters, no conflicts (2 of 4 stars). 16 submissions from 16 submitters: Benign (13). 3 of the submissions do not count toward it. Last evaluated 2026-02-04.

Conditions:
Inborn genetic diseases. Identifiers: MedGen C0950123, MeSH D030342.
Hypogonadotropic hypogonadism 5 with or without anosmia (KAL5). Also called: HYPOGONADOTROPIC HYPOGONADISM 5 WITH ANOSMIA; HYPOGONADOTROPHIC HYPOGONADISM 5 WITHOUT ANOSMIA; CHD7-Related GnRH Deficiency (Kallmann Syndrome 5). Identifiers: Orphanet 478, MedGen C3552553, MONDO:0012880, OMIM 612370. Disease mechanism: loss of function.
CHARGE syndrome (CHARGE). Also called: CHARGE ASSOCIATION--COLOBOMA, HEART ANOMALY, CHOANAL ATRESIA, RETARDATION, GENITAL AND EAR ANOMALIES; Hittner Hirsch Kreh syndrome; Coloboma, heart anomaly, choanal atresia, retardation, genital and ear anomalies; CHARGE association; Hall-Hittner syndrome. Identifiers: Orphanet 138, MedGen C0265354, MONDO:0008965.

Allele frequency attached by ClinVar (database versions not stated): TOPMed 0.02826; 1000 Genomes Project 0.01577; 1000 Genomes Project 30x 0.01624; ESP Exome Variant Server 0.02833; gnomAD 0.02947 and 0.03071; gnomAD exomes 0.03797.
gnomAD v4.1: 59,873 of 1,613,438 alleles (3.7%); highest among the groups gnomAD compares: Middle Eastern, 5.8%; 1,318 homozygotes.

Submissions (16):

Labcorp Genetics (formerly Invitae), Labcorp
Classification: Benign for CHARGE syndrome. Last evaluated: 2026-02-04. Review status: criteria provided, single submitter. Criteria: Invitae Variant Classification Sherloc (09022015). Collection method: clinical testing. Allele origin: germline.

Blueprint Genetics
Classification: Benign. Last evaluated: 2024-11-27. Review status: criteria provided, single submitter. Criteria: ACMG Guidelines, 2015. Collection method: clinical testing. Allele origin: germline.

Mayo Clinic Laboratories, Mayo Clinic
Classification: Benign. Last evaluated: 2022-03-09. Review status: criteria provided, single submitter. Criteria: ACMG Guidelines, 2015. Collection method: clinical testing. Allele origin: germline. Observed: 12 variant alleles.

ARUP Laboratories, Molecular Genetics and Genomics, ARUP Laboratories
Classification: Benign. Last evaluated: 2020-05-03. Review status: criteria provided, single submitter. Criteria: ARUP Molecular Germline Variant Investigation Process. Collection method: clinical testing. Allele origin: germline.

Athena Diagnostics
Classification: Benign. Last evaluated: 2018-03-02. Review status: criteria provided, single submitter. Criteria: Athena Diagnostics Criteria. Collection method: clinical testing. Allele origin: germline.

Illumina Laboratory Services, Illumina
Classification: Benign for Kallmann Syndrome 5. Last evaluated: 2018-01-13. Review status: criteria provided, single submitter. Criteria: ICSL Variant Classification Criteria 13 December 2019. Collection method: clinical testing. Allele origin: germline.
Comment: This variant was observed in the ICSL laboratory as part of a predisposition screen in an ostensibly healthy population. It had not been previously curated by ICSL or reported in the Human Gene Mutation Database (HGMD: prior to June 1st, 2018), and was therefore a candidate for classification through an automated scoring system. Utilizing variant allele frequency, disease prevalence and penetrance estimates, and inheritance mode, an automated score was calculated to assess if this variant is too frequent to cause the disease. Based on the score and internal cut-off values, a variant classified as benign is not then subjected to further curation. The score for this variant resulted in a classification of benign for this disease.

Laboratory for Molecular Medicine, Mass General Brigham Personalized Medicine
Classification: Benign. Last evaluated: 2017-08-23. Review status: criteria provided, single submitter. Criteria: LMM Criteria. Collection method: clinical testing. Allele origin: germline. Observed: 20 variant alleles.
Comment: p.Pro2045Pro in exon 31 of CHD7: This variant is not expected to have clinical s ignificance because it does not alter an amino acid residue, is not located with in the splice consensus sequence, and has been identified in 4.35% (288/6614) of Finnish chromosomes by the Exome Aggregation Consortium (ExAC; dbSNP rs6999971).

Ambry Genetics
Classification: Benign for Inborn genetic diseases. Last evaluated: 2016-03-24. Review status: criteria provided, single submitter. Criteria: Ambry Variant Classification Scheme 2023. Collection method: clinical testing. Allele origin: germline.

GeneDx
Classification: Benign. Last evaluated: 2015-03-03. Review status: criteria provided, single submitter. Criteria: GeneDx Variant Classification Process June 2021. Collection method: clinical testing. Allele origin: germline. Affected: yes.

Eurofins Ntd Llc (ga)
Classification: Benign. Last evaluated: 2014-06-11. Review status: criteria provided, single submitter. Criteria: EGL Classification Definitions 2015. Collection method: clinical testing. Allele origin: germline. Observed: 4 variant alleles, 4 heterozygotes.

Genetic Services Laboratory, University of Chicago
Classification: Benign. Last evaluated: 2013-02-08. Review status: criteria provided, single submitter. Criteria: ACMG Guidelines, 2007. Collection method: clinical testing. Allele origin: germline. Inheritance: Autosomal dominant inheritance.

Breakthrough Genomics
Classification: Benign. Review status: criteria provided, single submitter. Criteria: ACMG Guidelines, 2015. Collection method: not provided. Allele origin: germline. Inheritance: Autosomal dominant inheritance. Affected: yes.

PreventionGenetics, part of Exact Sciences
Classification: Benign. Review status: criteria provided, single submitter. Criteria: ACMG Guidelines, 2015. Collection method: clinical testing. Allele origin: germline.

Clinical Genetics DNA and cytogenetics Diagnostics Lab, Erasmus MC, Erasmus Medical Center
Classification: Benign. Review status: no assertion criteria provided. Collection method: clinical testing. Allele origin: germline. Affected: yes. Study: VKGL Data-share Consensus. Not counted in ClinVar's aggregate classification.

Clinical Genetics, Academic Medical Center
Classification: Benign. Review status: no assertion criteria provided. Collection method: clinical testing. Allele origin: germline. Affected: yes. Study: VKGL Data-share Consensus. Not counted in ClinVar's aggregate classification.

Joint Genome Diagnostic Labs from Nijmegen and Maastricht, Radboudumc and MUMC+
Classification: Benign. Review status: no assertion criteria provided. Collection method: clinical testing. Allele origin: germline. Affected: yes. Study: VKGL Data-share Consensus. Not counted in ClinVar's aggregate classification.

Literature cited by the submitters: PubMed 23378218 (cited by Athena Diagnostics); PubMed 21158681 (cited by Athena Diagnostics); PubMed 22033296 (cited by Athena Diagnostics); PubMed 18445044 (cited by Athena Diagnostics).